The following is an entry in ClinVar:

NM_172250.3(MMAA):c.673A>G (p.Asn225Asp)

Gene: MMAA (metabolism of cobalamin associated A; plus strand). Cytogenetic location: 4q31.21.
Variant type: single nucleotide variant.
Coding change: c.673A>G on transcript NM_172250.3 (MANE Select); coding-DNA position 673, A replaced by G.
Protein change: p.Asn225Asp; replaces asparagine 225 with aspartic acid.
Molecular consequence: missense variant.
Genome position (GRCh38, 1-based): chr4:145,646,096, A>G. VCF-style: chr4-145646096-A-G. GRCh37 (hg19) VCF-style: chr4-146567248-A-G.
Other names: c.673A>G, p.Asn225Asp (NM_001375644.1); short protein forms N225D.
Identifiers: ClinVar variation 3343442 (VCV003343442.1).

ClinVar aggregate classification (germline): Uncertain significance (1 of 4 stars; one submission).

gnomAD v4.1: 6 of 1,614,010 alleles (0.00037%); highest among the groups gnomAD compares: East Asian, 0.0022%; no homozygotes.

Submission:

GeneDx
Classification: Uncertain significance. Last evaluated: 2023-05-15. Review status: criteria provided, single submitter. Criteria: GeneDx Variant Classification Process June 2021. Collection method: clinical testing. Allele origin: germline. Affected: yes.
Comment: Not observed at significant frequency in large population cohorts (gnomAD); In silico analysis supports that this missense variant has a deleterious effect on protein structure/function; Has not been previously published as pathogenic or benign to our knowledge